The following is an entry in ClinVar:

ClinVar aggregate classification (germline): Likely benign. Review status: criteria provided, multiple submitters, no conflicts (2 of 4 stars). 3 submissions from 3 submitters: Likely benign (2). 1 of the submissions does not count toward it. Last evaluated 2025-06-04.

Conditions:
Bardet-Biedl syndrome (BBS). Identifiers: Orphanet 110, MedGen C0752166, MONDO:0015229.
BBS9-related disorder. Also called: BBS9-related condition.

Allele frequency attached by ClinVar (database versions not stated): gnomAD 0.00001; gnomAD exomes 0.00001; TOPMed 0.00001.
gnomAD v4.1: 14 of 1,613,700 alleles (0.00087%); highest among the groups gnomAD compares: South Asian, 0.0011%; no homozygotes.

Submissions (3):

Labcorp Genetics (formerly Invitae), Labcorp
Classification: Likely benign for Bardet-Biedl syndrome. Last evaluated: 2025-06-04. Review status: criteria provided, single submitter. Criteria: Invitae Variant Classification Sherloc (09022015). Collection method: clinical testing. Allele origin: germline.

Blueprint Genetics
Classification: Likely benign. Last evaluated: 2023-09-26. Review status: criteria provided, single submitter. Criteria: ACMG Guidelines, 2015. Collection method: clinical testing. Allele origin: germline.

PreventionGenetics, part of Exact Sciences
Classification: Likely benign for BBS9-related condition. Last evaluated: 2021-01-05. Review status: no assertion criteria provided. Collection method: clinical testing. Allele origin: germline. Not counted in ClinVar's aggregate classification.
Comment: This variant is classified as likely benign based on ACMG/AMP sequence variant interpretation guidelines (Richards et al. 2015 PMID: 25741868, with internal and published modifications).

NM_198428.3(BBS9):c.519A>G (p.Arg173=)

Gene: BBS9 (Bardet-Biedl syndrome 9; plus strand). Cytogenetic location: 7p14.3.
Variant type: single nucleotide variant.
Coding change: c.519A>G on transcript NM_198428.3 (MANE Select); coding-DNA position 519, A replaced by G.
Protein change: p.Arg173=; no amino-acid change (arginine 173 retained).
Molecular consequence: synonymous variant. On other transcripts: non-coding transcript variant (3).
Genome position (GRCh38, 1-based): chr7:33,257,312, A>G. VCF-style: chr7-33257312-A-G. GRCh37 (hg19) VCF-style: chr7-33296924-A-G.
Other names: c.519A>G (NM_198428.2); c.519A>G, p.Arg173= (NM_001033604.2, NM_001033605.2, NM_001348036.1 and 5 more transcripts); c.153A>G, p.Arg51= (NM_001348037.3, NM_001348044.3, NM_001348045.3 and 1 more transcripts); c.246A>G, p.Arg82= (NM_001348038.3, NM_001348039.3); c.384A>G, p.Arg128= (NM_001348042.3).
Identifiers: ClinVar variation 1011421 (VCV001011421.10), dbSNP rs911834235, ClinGen allele CA156718347.
Genomic context (GRCh38, chr7:33,257,312, plus strand): 5'-CATCCAGTCTATGGATGGGATGCTGATGGTATTTGAGCAGGAGAGCTATGCTTTTGGAAG[A>G]TTTCTCCCTGGCTTTCTTCTGCCTGGTCCTCTTGCCTACAGTTCCCGTACAGATTCCTTC-3'
Protein context (NP_940820.1, residues 163-183): VFEQESYAFG[Arg173=]FLPGFLLPGP